The following is an entry in ClinVar:

ClinVar aggregate classification (germline): Conflicting classifications of pathogenicity. Review status: criteria provided, conflicting classifications (1 of 4 stars). 2 submissions from 2 submitters: Uncertain significance (1); Likely benign (1). Last evaluated 2023-12-06.

Conditions:
Hereditary cancer-predisposing syndrome. Also called: Hereditary Cancer Syndrome; Neoplastic Syndromes, Hereditary; Tumor predisposition; Hereditary neoplastic syndrome. Identifiers: Orphanet 140162, MedGen C0027672, MeSH D009386, MONDO:0015356.
Familial cancer of breast. Also called: BREAST CANCER, FAMILIAL; Hereditary breast cancer; hereditary breast carcinoma. Identifiers: Orphanet 227535, MedGen C0346153, MONDO:0016419, OMIM 114480. Disease mechanism: loss of function.

Submissions (2):

Labcorp Genetics (formerly Invitae), Labcorp
Classification: Uncertain significance for Familial cancer of breast. Last evaluated: 2023-12-06. Review status: criteria provided, single submitter. Criteria: Invitae Variant Classification Sherloc (09022015). Collection method: clinical testing. Allele origin: germline.
Comment: This sequence change replaces valine, which is neutral and non-polar, with isoleucine, which is neutral and non-polar, at codon 157 of the BARD1 protein (p.Val157Ile). This variant is not present in population databases (gnomAD no frequency). This variant has not been reported in the literature in individuals affected with BARD1-related conditions. ClinVar contains an entry for this variant (Variation ID: 481376). Algorithms developed to predict the effect of missense changes on protein structure and function output the following: SIFT: "Not Available"; PolyPhen-2: "Benign"; Align-GVGD: "Not Available". The isoleucine amino acid residue is found in multiple mammalian species, which suggests that this missense change does not adversely affect protein function. In summary, the available evidence is currently insufficient to determine the role of this variant in disease. Therefore, it has been classified as a Variant of Uncertain Significance.

Ambry Genetics
Classification: Likely benign for Hereditary cancer-predisposing syndrome. Last evaluated: 2016-03-18. Review status: criteria provided, single submitter. Criteria: Ambry Variant Classification Scheme 2023. Collection method: clinical testing. Allele origin: germline.

NM_000465.4(BARD1):c.469G>A (p.Val157Ile)

Gene: BARD1 (BRCA1 associated RING domain 1; minus strand). Cytogenetic location: 2q35.
Variant type: single nucleotide variant.
Coding change: c.469G>A on transcript NM_000465.4 (MANE Select); coding-DNA position 469, G replaced by A.
Protein change: p.Val157Ile; replaces valine 157 with isoleucine.
Molecular consequence: missense variant. On other transcripts: non-coding transcript variant (2), intron variant (3).
Genome position (GRCh38, 1-based): chr2:214,781,405, C>T on the plus strand (G>A on the coding strand, the complement: BARD1 is on the minus strand). VCF-style: chr2-214781405-C-T. GRCh37 (hg19) VCF-style: chr2-215646129-C-T.
Other names: c.412G>A, p.Val138Ile (NM_001282543.2); c.158+28007G>A (NM_001282548.2); c.215+15656G>A (NM_001282545.2); c.364+10892G>A (NM_001282549.2); short protein forms V157I, V138I.
Identifiers: ClinVar variation 481376 (VCV000481376.15), dbSNP rs1553622662, ClinGen allele CA350457604.